The following is an entry in ClinVar:

ClinVar aggregate classification (germline): Uncertain significance (1 of 4 stars; one submission).

Submission:

GeneDx
Classification: Uncertain significance. Last evaluated: 2026-03-10. Review status: criteria provided, single submitter. Criteria: GeneDx Variant Classification Process June 2021. Collection method: clinical testing. Allele origin: germline.
Comment: Not observed at significant frequency in large population cohorts (gnomAD); In silico analysis supports that this missense variant has a deleterious effect on protein structure/function; Has not been previously published as pathogenic or benign to our knowledge

NM_016284.5(CNOT1):c.4430T>A (p.Leu1477His)

Gene: CNOT1 (CCR4-NOT transcription complex subunit 1; minus strand). Cytogenetic location: 16q21.
Variant type: single nucleotide variant.
Coding change: c.4430T>A on transcript NM_016284.5 (MANE Select); coding-DNA position 4430, T replaced by A.
Protein change: p.Leu1477His; replaces leucine 1477 with histidine.
Molecular consequence: missense variant. On other transcripts: non-coding transcript variant (1).
Genome position (GRCh38, 1-based): chr16:58,543,611, A>T on the plus strand (T>A on the coding strand, the complement: CNOT1 is on the minus strand). VCF-style: chr16-58543611-A-T. GRCh37 (hg19) VCF-style: chr16-58577515-A-T.
Other names: c.4415T>A, p.Leu1472His (NM_001265612.2); c.4430T>A, p.Leu1477His (NM_206999.3); short protein forms L1477H, L1472H.
Identifiers: ClinVar variation 5008402 (VCV005008402.1).
Genomic context (GRCh38, chr16:58,543,611, plus strand): 5'-ATTACAGACAAGCAGTAATACGTTTTGTACCTATACCAAGGAAATAGCCAACTTACACGA[A>T]GGGCTGAGGCAAAACTGTTTTTTAAGTTGGTAGATATGCTCATGAGCAAAGGTTCCCTGC-3'
Protein context (NP_057368.3, residues 1467-1487): TNLKNSFASA[Leu1477His]RTASPQQREM